The following is an entry in ClinVar:

NM_000540.3(RYR1):c.859G>A (p.Gly287Arg)

Gene: RYR1 (ryanodine receptor 1; plus strand). Cytogenetic location: 19q13.2.
Variant type: single nucleotide variant.
Coding change: c.859G>A on transcript NM_000540.3 (MANE Select); coding-DNA position 859, G replaced by A.
Protein change: p.Gly287Arg; replaces glycine 287 with arginine.
Molecular consequence: missense variant.
Genome position (GRCh38, 1-based): chr19:38,448,413, G>A. VCF-style: chr19-38448413-G-A. GRCh37 (hg19) VCF-style: chr19-38939053-G-A.
Other names: p.Gly287Arg; c.859G>A, p.Gly287Arg (NM_001042723.2); short protein forms G287R.
Identifiers: ClinVar variation 965774 (VCV000965774.11), dbSNP rs201292282, ClinGen allele CA072340.

ClinVar aggregate classification (germline): Uncertain significance. Review status: criteria provided, multiple submitters, no conflicts (2 of 4 stars). 6 submissions from 6 submitters: Uncertain significance (6). Last evaluated 2025-11-09.

Conditions:
RYR1-related disorder. Also called: RYR1-related disorders; RYR1-related condition. Identifiers: MedGen CN239331.
Malignant hyperthermia, susceptibility to, 1 (MHS1). Also called: Anesthesia related hyperthermia; Malignant hyperpyrexia; Fulminating hyperpyrexia; Pharmacogenic myopathy; Malignant hyperthermia suceptibility 1; RYR1-Related Malignant Hyperthermia Susceptibility. Identifiers: Orphanet 423, MedGen C2930980, MONDO:0007783, OMIM 145600.
King Denborough syndrome (KDS). Identifiers: MedGen C1840365, MONDO:0020485, OMIM 619542.
Central core myopathy (CMYO1A). Also called: CONGENITAL MYOPATHY 1A, AUTOSOMAL DOMINANT, WITH SUSCEPTIBILITY TO MALIGNANT HYPERTHERMIA; Central core disease; Myopathy, central fibrillar. Identifiers: Orphanet 597, MedGen C5830701, MONDO:0007294, OMIM 117000.
Congenital multicore myopathy with external ophthalmoplegia (CMYO1B). Also called: Congenital myopathy 1B, autosomal recessive; Minicore myopathy; MULTIMINICORE DISEASE WITH EXTERNAL OPHTHALMOPLEGIA; MULTICORE MYOPATHY; Minicore myopathy with external ophthalmoplegia. Identifiers: Orphanet 598, Orphanet 98905, MedGen C1850674, MONDO:0009712, OMIM 255320, HP:0003789.
Congenital myopathy with fiber type disproportion. Also called: Congenital fiber-type disproportion; Congenital fiber-type disproportion myopathy. Identifiers: Orphanet 2020, MedGen C0546264, MONDO:0009711. Inheritance: all.

Allele frequency attached by ClinVar (database versions not stated): TOPMed 0.00003; ESP Exome Variant Server 0.00008.
gnomAD v4.1: 53 of 1,612,970 alleles (0.0033%); highest among the groups gnomAD compares: African/African-American, 0.004%; no homozygotes.

Submissions (6):

Labcorp Genetics (formerly Invitae), Labcorp
Classification: Uncertain significance for RYR1-related disorder. Last evaluated: 2025-11-09. Review status: criteria provided, single submitter. Criteria: Invitae Variant Classification Sherloc (09022015). Collection method: clinical testing. Allele origin: germline.
Comment: This sequence change replaces glycine, which is neutral and non-polar, with arginine, which is basic and polar, at codon 287 of the RYR1 protein (p.Gly287Arg). This variant is present in population databases (rs201292282, gnomAD 0.008%). This variant has not been reported in the literature in individuals affected with RYR1-related conditions. ClinVar contains an entry for this variant (Variation ID: 965774). Invitae Evidence Modeling of protein sequence and biophysical properties (such as structural, functional, and spatial information, amino acid conservation, physicochemical variation, residue mobility, and thermodynamic stability) indicates that this missense variant is expected to disrupt RYR1 protein function with a positive predictive value of 95%. In summary, the available evidence is currently insufficient to determine the role of this variant in disease. Therefore, it has been classified as a Variant of Uncertain Significance.

Greenwood Genetic Center Diagnostic Laboratories, Greenwood Genetic Center
Classification: Uncertain significance. Last evaluated: 2025-04-15. Review status: criteria provided, single submitter. Criteria: ACMG Guidelines, 2015. Collection method: clinical testing. Allele origin: germline. Affected: yes.
Comment: PP2, PP3

Mayo Clinic Laboratories, Mayo Clinic
Classification: Uncertain significance. Last evaluated: 2025-04-01. Review status: criteria provided, single submitter. Criteria: ACMG Guidelines, 2015. Collection method: clinical testing. Allele origin: germline. Observed: 1 variant allele.
Comment: PP3_moderate

All of Us Research Program, National Institutes of Health
Classification: Uncertain significance for Malignant hyperthermia, susceptibility to, 1. Last evaluated: 2024-08-23. Review status: criteria provided, single submitter. Criteria: ACMG Guidelines, 2015. Collection method: clinical testing. Allele origin: germline. Inheritance: Autosomal dominant inheritance. Observed: 19 variant alleles, 19 heterozygotes.
Comment: This missense variant replaces glycine with arginine at codon 287 of the RYR1 protein. Computational prediction suggests that this variant may have deleterious impact on protein structure and function (internally defined REVEL score threshold >= 0.7, PMID: 27666373). To our knowledge, functional studies have not been reported for this variant. This variant has not been reported in individuals affected with RYR1-related disorders in the literature. This variant has been identified in 8/281664 chromosomes in the general population by the Genome Aggregation Database (gnomAD). The available evidence is insufficient to determine the role of this variant in disease conclusively. Therefore, this variant is classified as a Variant of Uncertain Significance.

This study involves interpretation of variants in research participants for the purpose of population health screening. Participant phenotype was not available at the time of variant classification. Additional details can be found in publication PMID: 35346344, PMCID: PMC8962531

Color Diagnostics, LLC DBA Color Health
Classification: Uncertain significance for Malignant hyperthermia, susceptibility to, 1. Last evaluated: 2024-07-10. Review status: criteria provided, single submitter. Criteria: ACMG Guidelines, 2015. Collection method: clinical testing. Allele origin: germline.
Comment: This missense variant replaces glycine with arginine at codon 287 of the RYR1 protein. Computational prediction suggests that this variant may have deleterious impact on protein structure and function. To our knowledge, functional studies have not been reported for this variant. This variant has not been reported in individuals affected with RYR1-related disorders in the literature. This variant has been identified in 8/281664 chromosomes in the general population by the Genome Aggregation Database (gnomAD). The available evidence is insufficient to determine the role of this variant in disease conclusively. Therefore, this variant is classified as a Variant of Uncertain Significance.

Fulgent Genetics
Classification: Uncertain significance for Central core myopathy; Malignant hyperthermia, susceptibility to, 1; Congenital myopathy 4A, autosomal dominant; Congenital multicore myopathy with external ophthalmoplegia; King Denborough syndrome. Last evaluated: 2021-08-03. Review status: criteria provided, single submitter. Criteria: ACMG Guidelines, 2015. Collection method: clinical testing. Allele origin: unknown.